The following is an entry in ClinVar:

ClinVar aggregate classification (germline): Uncertain significance (1 of 4 stars; one submission).

Conditions:
ATP8B1-related disorder. Also called: ATP8B1-related condition; ATP8B1-related disorders.

Submission:

PreventionGenetics, part of Exact Sciences
Classification: Uncertain significance for ATP8B1-related condition. Last evaluated: 2026-02-17. Review status: criteria provided, single submitter. Criteria: ACMG Guidelines, 2015. Collection method: clinical testing. Allele origin: germline.
Comment: The ATP8B1 c.376G>C variant is predicted to result in the amino acid substitution p.Ala126Pro. To our knowledge, this variant has not been reported in the literature or in a large population database (gnomAD), indicating this variant is rare. At this time, the clinical significance of this variant is uncertain due to the absence of conclusive functional and genetic evidence.

NM_001374385.1(ATP8B1):c.376G>C (p.Ala126Pro)

Gene: ATP8B1 (ATPase phospholipid transporting 8B1; minus strand). Cytogenetic location: 18q21.31.
Variant type: single nucleotide variant.
Coding change: c.376G>C on transcript NM_001374385.1 (MANE Select); coding-DNA position 376, G replaced by C.
Protein change: p.Ala126Pro; replaces alanine 126 with proline.
Molecular consequence: missense variant.
Genome position (GRCh38, 1-based): chr18:57,704,572, C>G on the plus strand (G>C on the coding strand, the complement: ATP8B1 is on the minus strand). VCF-style: chr18-57704572-C-G. GRCh37 (hg19) VCF-style: chr18-55371804-C-G.
Other names: c.226G>C, p.Ala76Pro (NM_001374386.1); c.376G>C, p.Ala126Pro (NM_005603.6); short protein forms A126P, A76P.
Identifiers: ClinVar variation 4994341 (VCV004994341.1).